The following is an entry in ClinVar:

NM_177972.3(TUB):c.182C>T (p.Ala61Val)

Gene: TUB (TUB bipartite transcription factor; plus strand). Cytogenetic location: 11p15.4.
Variant type: single nucleotide variant.
Coding change: c.182C>T on transcript NM_177972.3 (MANE Select); coding-DNA position 182, C replaced by T.
Protein change: p.Ala61Val; replaces alanine 61 with valine.
Molecular consequence: missense variant.
Genome position (GRCh38, 1-based): chr11:8,090,160, C>T. VCF-style: chr11-8090160-C-T. GRCh37 (hg19) VCF-style: chr11-8111707-C-T.
Other names: c.200C>T, p.Ala67Val (NM_001440538.1, NM_001440539.1, NM_001440540.1 and 1 more transcripts); c.182C>T, p.Ala61Val (NM_001440541.1); c.347C>T, p.Ala116Val (NM_003320.5); short protein forms A116V, A61V, A67V.
Identifiers: ClinVar variation 4988149 (VCV004988149.1).
Genomic context (GRCh38, chr11:8,090,160, plus strand): 5'-AGCGCCAGGAGCCCCTGATGGTGCAGGCCAATGCAGATGGGCGGCCCCGGAGCCGGCGGG[C>T]CCGGCAGTCAGAGGAACAAGCCCCCCTGGTGGAGTCCTACCTCAGCAGCAGTGGCAGCAC-3'
Protein context (NP_813977.1, residues 51-71): NADGRPRSRR[Ala61Val]RQSEEQAPLV

ClinVar aggregate classification (germline): Uncertain significance (1 of 4 stars; one submission).

Conditions:
TUB-related disorder. Also called: TUB-related condition.

gnomAD v4.1: 4 of 1,613,564 alleles (0.00025%); highest among the groups gnomAD compares: Non-Finnish European, 0.00034%; no homozygotes.

Submission:

PreventionGenetics, part of Exact Sciences
Classification: Uncertain significance for TUB-related condition. Last evaluated: 2025-08-17. Review status: criteria provided, single submitter. Criteria: ACMG Guidelines, 2015. Collection method: clinical testing. Allele origin: germline.
Comment: The TUB c.347C>T variant is predicted to result in the amino acid substitution p.Ala116Val. To our knowledge, this variant has not been reported in the literature or in a large population database (gnomAD), indicating this variant is rare. At this time, the clinical significance of this variant is uncertain due to the absence of conclusive functional and genetic evidence.